The following is an entry in ClinVar:

NM_000166.6(GJB1):c.627G>T (p.Val209=)

Gene: GJB1 (gap junction protein beta 1; plus strand). Cytogenetic location: Xq13.1.
Variant type: single nucleotide variant.
Coding change: c.627G>T on transcript NM_000166.6 (MANE Select); coding-DNA position 627, G replaced by T.
Protein change: p.Val209=; no amino-acid change (valine 209 retained).
Molecular consequence: synonymous variant.
Genome position (GRCh38, 1-based): chrX:71,224,334, G>T. VCF-style: chrX-71224334-G-T. GRCh37 (hg19) VCF-style: chrX-70444184-G-T.
Other names: c.627G>T, p.Val209= (NM_001097642.3).
Identifiers: ClinVar variation 696871 (VCV000696871.15), dbSNP rs376113695, ClinGen allele CA10445322.

ClinVar aggregate classification (germline): Benign/Likely benign. Review status: criteria provided, multiple submitters, no conflicts (2 of 4 stars). 6 submissions from 6 submitters: Benign (1); Likely benign (3). 2 of the submissions do not count toward it. Last evaluated 2025-05-06.

Conditions:
GJB1-related disorder. Also called: GJB1-related disorders; GJB1-related condition.
Charcot-Marie-Tooth disease. Also called: Charcot-Marie-Tooth Hereditary Neuropathy; Charcot-Marie-Tooth Neuropathy. Identifiers: Orphanet 166, MedGen C0007959, MONDO:0015626.
Charcot-Marie-Tooth Neuropathy X. Identifiers: MedGen CN118851.

Allele frequency attached by ClinVar (database versions not stated): gnomAD exomes 0.00001; ExAC 0.00002; TOPMed 0.00004; gnomAD 0.00005.
gnomAD v4.1: 57 of 1,206,409 alleles (0.0047%); highest among the groups gnomAD compares: Middle Eastern, 0.11%; no homozygotes.

Submissions (6):

Women's Health and Genetics/Laboratory Corporation of America, LabCorp
Classification: Likely benign. Last evaluated: 2025-05-06. Review status: criteria provided, single submitter. Criteria: LabCorp Variant Classification Summary - May 2015. Collection method: clinical testing. Allele origin: germline.

Labcorp Genetics (formerly Invitae), Labcorp
Classification: Benign for Charcot-Marie-Tooth Neuropathy X. Last evaluated: 2025-01-26. Review status: criteria provided, single submitter. Criteria: Invitae Variant Classification Sherloc (09022015). Collection method: clinical testing. Allele origin: germline.

Blueprint Genetics
Classification: Likely benign. Last evaluated: 2024-06-27. Review status: criteria provided, single submitter. Criteria: ACMG Guidelines, 2015. Collection method: clinical testing. Allele origin: germline.

Molecular Genetics Laboratory, London Health Sciences Centre
Classification: Likely benign for Charcot-Marie-Tooth disease. Review status: criteria provided, single submitter. Criteria: ACMG Guidelines, 2015. Collection method: clinical testing. Allele origin: germline. Affected: yes.

PreventionGenetics, part of Exact Sciences
Classification: Likely benign for GJB1-related condition. Last evaluated: 2024-04-03. Review status: no assertion criteria provided. Collection method: clinical testing. Allele origin: germline. Not counted in ClinVar's aggregate classification.
Comment: This variant is classified as likely benign based on ACMG/AMP sequence variant interpretation guidelines (Richards et al. 2015 PMID: 25741868, with internal and published modifications).

Natera, Inc.
Classification: Likely benign for Charcot-Marie-Tooth disease. Last evaluated: 2020-04-11. Review status: no assertion criteria provided. Collection method: clinical testing. Allele origin: germline. Not counted in ClinVar's aggregate classification.